The following is an entry in ClinVar:

ClinVar aggregate classification (germline): Pathogenic. Review status: reviewed by expert panel (3 of 4 stars). 2 submissions from 2 submitters: Pathogenic (1). 1 of the submissions does not count toward it. Last evaluated 2016-10-18.

Conditions:
Breast-ovarian cancer, familial, susceptibility to, 1 (BROVCA1). Also called: BRCA1 Hereditary Breast and Ovarian Cancer; OVARIAN CANCER, SUSCEPTIBILITY TO. Identifiers: Orphanet 145, MedGen C2676676, MONDO:0011450, OMIM 604370. Disease mechanism: loss of function.

Submissions (2):

Evidence-based Network for the Interpretation of Germline Mutant Alleles (ENIGMA)
Classification: Pathogenic for Breast-ovarian cancer, familial, susceptibility to, 1. Last evaluated: 2016-10-18. Review status: reviewed by expert panel. Criteria: ENIGMA BRCA1/2 Classification Criteria (2015). Collection method: curation. Allele origin: germline.
Comment: Variant allele predicted to encode a truncated non-functional protein.

Consortium of Investigators of Modifiers of BRCA1/2 (CIMBA), c/o University of Cambridge
Classification: Pathogenic for Breast-ovarian cancer, familial, susceptibility to, 1. Last evaluated: 2015-10-02. Review status: criteria provided, single submitter. Criteria: CIMBA Mutation Classification guidelines May 2016. Collection method: clinical testing. Allele origin: germline. Not counted in ClinVar's aggregate classification.

NM_007294.4(BRCA1):c.1820_1823del (p.Lys607fs)

Gene: BRCA1 (BRCA1 DNA repair associated; minus strand). Cytogenetic location: 17q21.31.
Variant type: Deletion.
Coding change: c.1820_1823del on transcript NM_007294.4 (MANE Select); coding-DNA positions 1820 to 1823, 4 bases deleted (AAAA; older notation c.1820_1823delAAAA).
Protein change: p.Lys607fs; shifts the reading frame from lysine 607.
Molecular consequence: frameshift variant. On other transcripts: intron variant (137).
Genome position (GRCh38, 1-based): chr17:43,093,708-43,093,711, TTTT deleted on the plus strand (AAAA on the coding strand, the reverse complement: BRCA1 is on the minus strand); deleting any 4 consecutive bases within chr17:43,093,708-43,093,712 gives the same sequence; the c. name uses the placement nearest the transcript's 3' end. VCF-style (leftmost placement, unchanged base first): chr17-43093707-CTTTT-C. GRCh37 (hg19) VCF-style: chr17-41245724-CTTTT-C.
Other names: 1939del4-ter610; c.1817_1820del, p.Lys606fs (NM_001407631.1, NM_001407632.1, NM_001407633.1 and 22 more transcripts); c.1820_1823del, p.Lys607fs (NM_001407639.1, NM_001407640.1, NM_001407641.1 and 30 more transcripts); c.1811_1814del, p.Lys604fs (NM_001407646.1, NM_001407647.1); c.1697_1700del, p.Lys566fs (NM_001407648.1, NM_001407664.1, NM_001407665.1 and 19 more transcripts); c.1694_1697del, p.Lys565fs (NM_001407649.1, NM_001407670.1, NM_001407671.1 and 11 more transcripts); c.1742_1745del, p.Lys581fs (NM_001407653.1, NM_001407654.1, NM_001407655.1 and 4 more transcripts); c.1739_1742del, p.Lys580fs (NM_001407659.1, NM_001407660.1, NM_001407661.1 and 1 more transcripts); and 42 more; short protein forms K560fs, K607fs, K439fs, K480fs, K518fs, K536fs, K540fs, K565fs.
Identifiers: ClinVar variation 266192 (VCV000266192.6), dbSNP rs397508911, ClinGen allele CA10589917.
Genomic context (GRCh38, chr17:43,093,707, plus strand): 5'-ACTGACTACTAGTTCAAGCGCATGAATATGCCTGGTAGAAGACTTCCTCCTCAGCCTATT[CTTTT>C]TAGGTGCTTTTGAATTGTGGATATTTAATTCGAGTTCCATATTGCTTATACTGCTGCTTA-3'